The following is an entry in ClinVar:

ClinVar aggregate classification (germline): Conflicting classifications of pathogenicity. Review status: criteria provided, conflicting classifications (1 of 4 stars). 2 submissions from 2 submitters: Uncertain significance (1); Likely benign (1). Last evaluated 2026-01-22.

Conditions:
Familial thoracic aortic aneurysm and aortic dissection (TAAD). Also called: Thoracic aortic aneurysms and dissections. Identifiers: Orphanet 91387, MedGen C4707243, MONDO:0019625.
Congenital contractural arachnodactyly (CCA). Also called: BEALS SYNDROME; Arthrogryposis, distal, type 9; Beals-Hecht syndrome. Identifiers: Orphanet 115, MedGen C0220668, MONDO:0007363, OMIM 121050.

Allele frequency attached by ClinVar (database versions not stated): ExAC 0.00001; gnomAD 0.00004; TOPMed 0.00004.
gnomAD v4.1: 8 of 1,613,864 alleles (0.0005%); highest among the groups gnomAD compares: African/African-American, 0.011%; no homozygotes.

Submissions (2):

Labcorp Genetics (formerly Invitae), Labcorp
Classification: Likely benign for Congenital contractural arachnodactyly. Last evaluated: 2026-01-22. Review status: criteria provided, single submitter. Criteria: Invitae Variant Classification Sherloc (09022015). Collection method: clinical testing. Allele origin: germline.

Ambry Genetics
Classification: Uncertain significance for Familial thoracic aortic aneurysm and aortic dissection. Last evaluated: 2020-09-23. Review status: criteria provided, single submitter. Criteria: Ambry Variant Classification Scheme 2023. Collection method: clinical testing. Allele origin: germline.
Comment: The p.Q1927K variant (also known as c.5779C>A), located in coding exon 45 of the FBN2 gene, results from a C to A substitution at nucleotide position 5779. The glutamine at codon 1927 is replaced by lysine, an amino acid with similar properties. This amino acid position is not well conserved in available vertebrate species. In addition, this alteration is predicted to be tolerated by in silico analysis. Since supporting evidence is limited at this time, the clinical significance of this alteration remains unclear.

NM_001999.4(FBN2):c.5779C>A (p.Gln1927Lys)

Gene: FBN2 (fibrillin 2; minus strand). Cytogenetic location: 5q23.3.
Variant type: single nucleotide variant.
Coding change: c.5779C>A on transcript NM_001999.4 (MANE Select); coding-DNA position 5779, C replaced by A.
Protein change: p.Gln1927Lys; replaces glutamine 1927 with lysine.
Molecular consequence: missense variant.
Genome position (GRCh38, 1-based): chr5:128,304,978, G>T on the plus strand (C>A on the coding strand, the complement: FBN2 is on the minus strand). VCF-style: chr5-128304978-G-T. GRCh37 (hg19) VCF-style: chr5-127640670-G-T.
Other names: short protein forms Q1927K.
Identifiers: ClinVar variation 1749587 (VCV001749587.3), dbSNP rs756700088, ClinGen allele CA3394603.